The following is an entry in ClinVar:

NM_002025.4(AFF2):c.1651A>G (p.Thr551Ala)

Gene: AFF2 (ALF transcription elongation factor 2; plus strand). Cytogenetic location: Xq28.
Variant type: single nucleotide variant.
Coding change: c.1651A>G on transcript NM_002025.4 (MANE Select); coding-DNA position 1651, A replaced by G.
Protein change: p.Thr551Ala; replaces threonine 551 with alanine.
Molecular consequence: missense variant.
Genome position (GRCh38, 1-based): chrX:148,955,696, A>G. VCF-style: chrX-148955696-A-G. GRCh37 (hg19) VCF-style: chrX-148037226-A-G.
Other names: c.1651A>G (NM_002025.3); c.1552A>G, p.Thr518Ala (NM_001169122.2); c.1621A>G, p.Thr541Ala (NM_001169123.2); c.1546A>G, p.Thr516Ala (NM_001169124.2); c.1534A>G, p.Thr512Ala (NM_001169125.2); c.574A>G, p.Thr192Ala (NM_001170628.1); short protein forms T192A, T512A, T516A, T518A, T541A, T551A.
Identifiers: ClinVar variation 3359837 (VCV003359837.2).

ClinVar aggregate classification (germline): Uncertain significance. Review status: criteria provided, multiple submitters, no conflicts (2 of 4 stars). 2 submissions from 2 submitters: Uncertain significance (2). Last evaluated 2026-02-17.

Conditions:
Inborn genetic diseases. Identifiers: MedGen C0950123, MeSH D030342.

gnomAD v4.1: 1 of 1,211,525 alleles (0.000083%); highest among the groups gnomAD compares: Non-Finnish European, 0.00011%; no homozygotes.

Submissions (2):

Ambry Genetics
Classification: Uncertain significance for Inborn genetic diseases. Last evaluated: 2026-02-17. Review status: criteria provided, single submitter. Criteria: Ambry Variant Classification Scheme 2023. Collection method: clinical testing. Allele origin: germline.
Comment: The c.1651A>G (p.T551A) alteration is located in exon 11 (coding exon 11) of the AFF2 gene. This alteration results from a A to G substitution at nucleotide position 1651, causing the threonine (T) at amino acid position 551 to be replaced by an alanine (A). Based on data from gnomAD, the G allele has an overall frequency of <0.001% (1/183077) total alleles studied. The highest observed frequency was <0.001% (/) of alleles. Based on insufficient or conflicting evidence, the clinical significance of this alteration remains unclear.

GeneDx
Classification: Uncertain significance. Last evaluated: 2023-06-16. Review status: criteria provided, single submitter. Criteria: GeneDx Variant Classification Process June 2021. Collection method: clinical testing. Allele origin: germline. Affected: yes.
Comment: Not observed at significant frequency in large population cohorts (gnomAD); In silico analysis supports that this missense variant does not alter protein structure/function; Has not been previously published as pathogenic or benign to our knowledge